The following is an entry in ClinVar:

ClinVar aggregate classification (germline): Uncertain significance (1 of 4 stars; one submission).

Conditions:
Hereditary cancer-predisposing syndrome. Also called: Neoplastic Syndromes, Hereditary; Tumor predisposition; Hereditary Cancer Syndrome; Hereditary neoplastic syndrome. Identifiers: Orphanet 140162, MedGen C0027672, MeSH D009386, MONDO:0015356.

Submission:

Ambry Genetics
Classification: Uncertain significance for Hereditary cancer-predisposing syndrome. Last evaluated: 2024-11-25. Review status: criteria provided, single submitter. Criteria: Ambry Variant Classification Scheme 2023. Collection method: clinical testing. Allele origin: germline.
Comment: The p.G153R variant (also known as c.457G>C), located in coding exon 3 of the RAD51C gene, results from a G to C substitution at nucleotide position 457. The glycine at codon 153 is replaced by arginine, an amino acid with dissimilar properties. This amino acid position is highly conserved in available vertebrate species. In addition, this alteration is predicted to be deleterious by in silico analysis. Based on the available evidence, the clinical significance of this variant remains unclear.

NM_058216.3(RAD51C):c.457G>C (p.Gly153Arg)

Gene: RAD51C (RAD51 paralog C; plus strand). Cytogenetic location: 17q22.
Variant type: single nucleotide variant.
Coding change: c.457G>C on transcript NM_058216.3 (MANE Select); coding-DNA position 457, G replaced by C.
Protein change: p.Gly153Arg; replaces glycine 153 with arginine.
Molecular consequence: missense variant.
Genome position (GRCh38, 1-based): chr17:58,696,745, G>C. VCF-style: chr17-58696745-G-C. GRCh37 (hg19) VCF-style: chr17-56774106-G-C.
Other names: short protein forms G153R.
Identifiers: ClinVar variation 3429724 (VCV003429724.1).